The following is an entry in ClinVar:

NM_001374828.1(ARID1B):c.318G>A (p.Ala106=)

Genes: ARID1B (AT-rich interaction domain 1B; plus strand), LOC129997523 (ATAC-STARR-seq lymphoblastoid silent region 17710; plus strand), LOC115308161 (uncharacterized LOC115308161; minus strand). Cytogenetic location: 6q25.3.
Variant type: single nucleotide variant.
Coding change: c.318G>A on transcript NM_001374828.1 (MANE Select); coding-DNA position 318, G replaced by A.
Protein change: p.Ala106=; no amino-acid change (alanine 106 retained).
Molecular consequence: synonymous variant.
Genome position (GRCh38, 1-based): chr6:156,777,998, G>A. VCF-style: chr6-156777998-G-A. GRCh37 (hg19) VCF-style: chr6-157099132-G-A.
Other names: c.69G>A, p.Ala23= (NM_020732.3); c.318G>A, p.Ala106= (NM_001371656.1, NM_001374820.1, NM_017519.3).
Identifiers: ClinVar variation 126337 (VCV000126337.45), dbSNP rs533182720, ClinGen allele CA151070.

ClinVar aggregate classification (germline): Benign/Likely benign. Review status: criteria provided, multiple submitters, no conflicts (2 of 4 stars). 9 submissions from 9 submitters: Benign (4); Likely benign (4). 1 of the submissions does not count toward it. Last evaluated 2026-02-01.

Conditions:
ARID1B-Related Disorder. Identifiers: MedGen CN381337.
Inborn genetic diseases. Identifiers: MedGen C0950123, MeSH D030342.
Coffin-Siris syndrome 1 (CSS1). Also called: ARID1B-Related Coffin-Siris Syndrome; Mental retardation, autosomal dominant 12. Identifiers: Orphanet 1465, MedGen C3281201, MONDO:0007617, OMIM 135900. Disease mechanism: gain of function.

Allele frequency attached by ClinVar (database versions not stated): ExAC below 0.00001; TOPMed 0.00243; gnomAD 0.00244 and 0.00257; 1000 Genomes Project 0.00300; 1000 Genomes Project 30x 0.00312.
gnomAD v4.1: 628 of 1,531,480 alleles (0.041%); highest among the groups gnomAD compares: African/African-American, 0.71%; 2 homozygotes.

Submissions (9):

CeGaT Center for Human Genetics Tuebingen
Classification: Likely benign. Last evaluated: 2026-02-01. Review status: criteria provided, single submitter. Criteria: CeGaT Center For Human Genetics Tuebingen Variant Classification Criteria Version 2. Collection method: clinical testing. Allele origin: germline. Affected: yes. Observed: 4 variant alleles.
Comment: ARID1B: BP4, BP7

Labcorp Genetics (formerly Invitae), Labcorp
Classification: Benign. Last evaluated: 2026-01-21. Review status: criteria provided, single submitter. Criteria: Invitae Variant Classification Sherloc (09022015). Collection method: clinical testing. Allele origin: germline.

Blueprint Genetics
Classification: Likely benign. Last evaluated: 2024-11-26. Review status: criteria provided, single submitter. Criteria: ACMG Guidelines, 2015. Collection method: clinical testing. Allele origin: germline.

Genome-Nilou Lab
Classification: Benign for Coffin-Siris syndrome 1. Last evaluated: 2021-07-15. Review status: criteria provided, single submitter. Criteria: ACMG Guidelines, 2015. Collection method: clinical testing. Allele origin: germline. Affected: no.

GeneDx
Classification: Benign. Last evaluated: 2019-07-24. Review status: criteria provided, single submitter. Criteria: GeneDx Variant Classification Process June 2021. Collection method: clinical testing. Allele origin: germline. Affected: yes.

Genetic Services Laboratory, University of Chicago
Classification: Benign. Last evaluated: 2017-08-16. Review status: criteria provided, single submitter. Criteria: ACMG Guidelines, 2015. Collection method: clinical testing. Allele origin: germline. Affected: no.

Ambry Genetics
Classification: Likely benign for Inborn genetic diseases. Last evaluated: 2017-02-03. Review status: criteria provided, single submitter. Criteria: Ambry Variant Classification Scheme 2023. Collection method: clinical testing. Allele origin: germline.

Breakthrough Genomics
Classification: Likely benign. Review status: criteria provided, single submitter. Criteria: ACMG Guidelines, 2015. Collection method: not provided. Allele origin: germline. Inheritance: Autosomal dominant inheritance. Affected: yes.

PreventionGenetics, part of Exact Sciences
Classification: Benign for ARID1B-related condition. Last evaluated: 2021-02-23. Review status: no assertion criteria provided. Collection method: clinical testing. Allele origin: germline. Not counted in ClinVar's aggregate classification.
Comment: This variant is classified as benign based on ACMG/AMP sequence variant interpretation guidelines (Richards et al. 2015 PMID: 25741868, with internal and published modifications).